The following is an entry in ClinVar:

NM_000089.4(COL1A2):c.2908G>C (p.Gly970Arg)

Gene: COL1A2 (collagen type I alpha 2 chain; plus strand). Cytogenetic location: 7q21.3.
Variant type: single nucleotide variant.
Coding change: c.2908G>C on transcript NM_000089.4 (MANE Select); coding-DNA position 2908, G replaced by C.
Protein change: p.Gly970Arg; replaces glycine 970 with arginine.
Molecular consequence: missense variant.
Genome position (GRCh38, 1-based): chr7:94,425,822, G>C. VCF-style: chr7-94425822-G-C. GRCh37 (hg19) VCF-style: chr7-94055134-G-C.
Other names: short protein forms G970R.
Identifiers: ClinVar variation 4075352 (VCV004075352.1).

ClinVar aggregate classification (germline): Pathogenic (1 of 4 stars; one submission).

Conditions:
Osteogenesis imperfecta with normal sclerae, dominant form (OI4). Also called: Common Variable Osteogenesis Imperfecta with Normal Sclerae; OSTEOGENESIS IMPERFECTA, TYPE IV, WITH DENTINOGENESIS IMPERFECTA; Osteogenesis Imperfecta Type IV; OSTEOGENESIS IMPERFECTA WITH NORMAL SCLERAE; Osteogenesis imperfecta type 4. Identifiers: Orphanet 216820, Orphanet 666, MedGen C0268363, MONDO:0008148, OMIM 166220.

Submission:

Clinical Biomedical Laboratory, Shriners Hospital For Children - Canada
Classification: Pathogenic for Osteogenesis imperfecta with normal sclerae, dominant form. Last evaluated: 2025-07-16. Review status: criteria provided, single submitter. Criteria: ACMG Guidelines, 2015. Collection method: clinical testing. Allele origin: germline. Affected: yes.
Comment: This variant is predicted to substitute a glycine residue by an arginine residue in the alpha 2 chain of collagen type I. Glycine substitutions in the triple helical domain of collagen type I cause disruption in the formation of the triple helix in the collagen molecule and are a typical cause of osteogenesis imperfecta. This variant is absent from the Genome Aggregation Database v.2.1.1, indicating it is very rare. Prediction tools: (REVEL: 0.97) suggest that the change is detrimental to protein function.